The following is an entry in ClinVar:

NM_014727.3(KMT2B):c.587T>A (p.Leu196His)

Gene: KMT2B (lysine methyltransferase 2B; plus strand). Cytogenetic location: 19q13.12.
Variant type: single nucleotide variant.
Coding change: c.587T>A on transcript NM_014727.3 (MANE Select); coding-DNA position 587, T replaced by A.
Protein change: p.Leu196His; replaces leucine 196 with histidine.
Molecular consequence: missense variant.
Genome position (GRCh38, 1-based): chr19:35,719,934, T>A. VCF-style: chr19-35719934-T-A. GRCh37 (hg19) VCF-style: chr19-36210836-T-A.
Other names: short protein forms L196H.
Identifiers: ClinVar variation 4529639 (VCV004529639.1).

ClinVar aggregate classification (germline): Uncertain significance (1 of 4 stars; one submission).

Submission:

GeneDx
Classification: Uncertain significance. Last evaluated: 2025-05-16. Review status: criteria provided, single submitter. Criteria: GeneDx Variant Classification Process June 2021. Collection method: clinical testing. Allele origin: germline. Affected: yes.
Comment: Not observed at significant frequency in large population cohorts (gnomAD); In silico analysis suggests that this missense variant does not alter protein structure/function; Has not been previously published as pathogenic or benign to our knowledge